The following is an entry in ClinVar:

ClinVar aggregate classification (germline): Pathogenic (1 of 4 stars; one submission).

Conditions:
X-linked severe congenital neutropenia (SCNX). Identifiers: Orphanet 86788, MedGen C1845987, MONDO:0010294, OMIM 300299.
Thrombocytopenia 1. Also called: THROMBOCYTOPENIA, X-LINKED, 1; X-linked thrombocytopenia with normal platelets; X-Linked Thrombocytopenia (XLT). Identifiers: Orphanet 268322, Orphanet 852, MedGen C1839163, MONDO:0010743, OMIM 313900.
Wiskott-Aldrich syndrome (WAS). Also called: ALDRICH SYNDROME; IMMUNODEFICIENCY 2; Wiskott-aldrich syndrome, somatic; WISKOTT-ALDRICH SYNDROME 1. Identifiers: Orphanet 906, MedGen C0043194, MONDO:0010518, OMIM 301000.

Submission:

Labcorp Genetics (formerly Invitae), Labcorp
Classification: Pathogenic for Wiskott-Aldrich syndrome; X-linked severe congenital neutropenia; Thrombocytopenia 1. Last evaluated: 2024-10-05. Review status: criteria provided, single submitter. Criteria: Invitae Variant Classification Sherloc (09022015). Collection method: clinical testing. Allele origin: germline.
Comment: This sequence change creates a premature translational stop signal (p.Gly424Alafs*55) in the WAS gene. While this is not anticipated to result in nonsense mediated decay, it is expected to disrupt the last 79 amino acid(s) of the WAS protein. This variant is not present in population databases (gnomAD no frequency). This variant has not been reported in the literature in individuals affected with WAS-related conditions. This variant disrupts a region of the WAS protein in which other variant(s) (p.Asp485Asn) have been determined to be pathogenic (PMID: 10447259, 10691337, 11298372, 19817875). This suggests that this is a clinically significant region of the protein, and that variants that disrupt it are likely to be disease-causing. For these reasons, this variant has been classified as Pathogenic.

Literature cited by the submitters: PubMed 10447259; PubMed 10691337; PubMed 11298372; PubMed 19817875.

NM_000377.3(WAS):c.1271_1317del (p.Gly424fs)

Gene: WAS (WASP actin nucleation promoting factor; plus strand). Cytogenetic location: Xp11.23.
Variant type: Deletion.
Coding change: c.1271_1317del on transcript NM_000377.3 (MANE Select); coding-DNA positions 1271 to 1317, 47 bases deleted.
Protein change: p.Gly424fs; shifts the reading frame from glycine 424.
Molecular consequence: frameshift variant.
Genome position (GRCh38, 1-based): chrX:48,688,999-48,689,045, 47 bases deleted; deleting any 47 consecutive bases within chrX:48,688,997-48,689,045 gives the same sequence; the c. name uses the placement nearest the transcript's 3' end. GRCh37 (hg19): chrX:48,547,388-48,547,434.
Other names: short protein forms G424fs.
Identifiers: ClinVar variation 3759371 (VCV003759371.2).
Genomic context (GRCh38, chrX:48,688,996, plus strand): 5'-CGCCCAGCTCCGGGAATGGACCAGCCCCTCCCCCACTCCCTCCTGCTCTGGTGCCTGCCG[GGGGCCTGGCCCCTGGTGGGGGTCGGGGAGCGCTTTTGGATCAAATCC>G]GGCAGGGAATTCAGCTGAACAAGGTGAGGACAGGCAGGATGGAGGATTGGGGGTCTAGGA-3'